The following is an entry in ClinVar:

NM_003601.4(SMARCA5):c.3088C>T (p.Pro1030Ser)

Gene: SMARCA5 (SNF2 related chromatin remodeling ATPase 5; plus strand). Cytogenetic location: 4q31.21.
Variant type: single nucleotide variant.
Coding change: c.3088C>T on transcript NM_003601.4 (MANE Select); coding-DNA position 3088, C replaced by T.
Protein change: p.Pro1030Ser; replaces proline 1030 with serine.
Molecular consequence: missense variant.
Genome position (GRCh38, 1-based): chr4:143,550,099, C>T. VCF-style: chr4-143550099-C-T. GRCh37 (hg19) VCF-style: chr4-144471252-C-T.
Other names: short protein forms P1030S.
Identifiers: ClinVar variation 4074710 (VCV004074710.1).

ClinVar aggregate classification (germline): Uncertain significance (1 of 4 stars; one submission).

Submission:

GeneDx
Classification: Uncertain significance. Last evaluated: 2025-02-07. Review status: criteria provided, single submitter. Criteria: GeneDx Variant Classification Process June 2021. Collection method: clinical testing. Allele origin: germline. Affected: yes.
Comment: Not observed at significant frequency in large population cohorts (gnomAD); In silico analysis indicates that this missense variant does not alter protein structure/function; Has not been previously published as pathogenic or benign to our knowledge